The following is an entry in ClinVar:

ClinVar aggregate classification (germline): Uncertain significance (1 of 4 stars; one submission).

Conditions:
Tumor predisposition syndrome 3 (TPDS3). Also called: Melanoma, cutaneous malignant, susceptibility to, 10; LONG TELOMERE SYNDROME, POT1-RELATED; POT1 Tumor Predisposition; Glioma susceptibility 9. Identifiers: Orphanet 618, MedGen C4014476, MONDO:0014368, OMIM 615848.

Submission:

Labcorp Genetics (formerly Invitae), Labcorp
Classification: Uncertain significance for Tumor predisposition syndrome 3. Last evaluated: 2021-02-04. Review status: criteria provided, single submitter. Criteria: Invitae Variant Classification Sherloc (09022015). Collection method: clinical testing. Allele origin: germline.
Comment: In summary, the available evidence is currently insufficient to determine the role of this variant in disease. Therefore, it has been classified as a Variant of Uncertain Significance. Algorithms developed to predict the effect of missense changes on protein structure and function are either unavailable or do not agree on the potential impact of this missense change (SIFT: "Deleterious"; PolyPhen-2: "Benign"; Align-GVGD: "Class C0"). This variant has not been reported in the literature in individuals with POT1-related conditions. This variant is not present in population databases (ExAC no frequency). This sequence change replaces serine with arginine at codon 98 of the POT1 protein (p.Ser98Arg). The serine residue is moderately conserved and there is a moderate physicochemical difference between serine and arginine.

NM_015450.3(POT1):c.292A>C (p.Ser98Arg)

Gene: POT1 (protection of telomeres 1; minus strand). Cytogenetic location: 7q31.33.
Variant type: single nucleotide variant.
Coding change: c.292A>C on transcript NM_015450.3 (MANE Select); coding-DNA position 292, A replaced by C.
Protein change: p.Ser98Arg; replaces serine 98 with arginine.
Molecular consequence: missense variant. On other transcripts: 5 prime UTR variant (1), non-coding transcript variant (3).
Genome position (GRCh38, 1-based): chr7:124,863,604, T>G on the plus strand (A>C on the coding strand, the complement: POT1 is on the minus strand). VCF-style: chr7-124863604-T-G. GRCh37 (hg19) VCF-style: chr7-124503658-T-G.
Other names: c.-102A>C (NM_001042594.2); short protein forms S98R.
Identifiers: ClinVar variation 1507623 (VCV001507623.8), dbSNP rs2116542562, ClinGen allele CA369060362.